The following is an entry in ClinVar:

ClinVar aggregate classification (germline): Pathogenic (1 of 4 stars; one submission).

Conditions:
GLUT1 deficiency syndrome 1, autosomal recessive. Identifiers: MedGen C3149117.

Submission:

Labcorp Genetics (formerly Invitae), Labcorp
Classification: Pathogenic for GLUT1 deficiency syndrome 1, autosomal recessive. Last evaluated: 2023-11-18. Review status: criteria provided, single submitter. Criteria: Invitae Variant Classification Sherloc (09022015). Collection method: clinical testing. Allele origin: germline.
Comment: This sequence change creates a premature translational stop signal (p.Ala472Serfs*5) in the SLC2A1 gene. While this is not anticipated to result in nonsense mediated decay, it is expected to disrupt the last 21 amino acid(s) of the SLC2A1 protein. This variant is not present in population databases (gnomAD no frequency). This variant has not been reported in the literature in individuals affected with SLC2A1-related conditions. ClinVar contains an entry for this variant (Variation ID: 1454405). This variant disrupts a region of the SLC2A1 protein in which other variant(s) (p.Pro485Leu) have been determined to be pathogenic (PMID: 19237265, 30197081). This suggests that this is a clinically significant region of the protein, and that variants that disrupt it are likely to be disease-causing. For these reasons, this variant has been classified as Pathogenic.

Literature cited by the submitters: PubMed 19237265; PubMed 30197081.

NM_006516.4(SLC2A1):c.1412dup (p.Ala472fs)

Gene: SLC2A1 (solute carrier family 2 member 1; minus strand). Cytogenetic location: 1p34.2.
Variant type: Duplication.
Coding change: c.1412dup on transcript NM_006516.4 (MANE Select); coding-DNA position 1412, one base duplicated (G; older notation c.1412dupG).
Protein change: p.Ala472fs; shifts the reading frame from alanine 472.
Molecular consequence: frameshift variant.
Genome position (GRCh38, 1-based): chr1:42,927,108, C duplicated on the plus strand (G on the coding strand, the reverse complement: SLC2A1 is on the minus strand); the first of 6 consecutive C bases (chr1:42,927,108-42,927,113); duplicating any one gives the same sequence. VCF-style (leftmost placement, unchanged base first): chr1-42927107-T-TC. GRCh37 (hg19) VCF-style: chr1-43392778-T-TC.
Other names: short protein forms A472fs.
Identifiers: ClinVar variation 1454405 (VCV001454405.6), dbSNP rs2124445408, ClinGen allele CA2573132282.